The following is an entry in ClinVar:

ClinVar aggregate classification (germline): Benign/Likely benign. Review status: criteria provided, multiple submitters, no conflicts (2 of 4 stars). 3 submissions from 3 submitters: Benign (1); Likely benign (2). Last evaluated 2026-01-24.

Conditions:
Methylcobalamin deficiency type cblE (HMAE). Also called: HOMOCYSTINURIA-MEGALOBLASTIC ANEMIA, cblE TYPE; VITAMIN B12-RESPONSIVE HOMOCYSTINURIA, cblE TYPE; HOMOCYSTINURIA-MEGALOBLASTIC ANEMIA, cblE COMPLEMENTATION TYPE. Identifiers: Orphanet 2169, Orphanet 622, MedGen C1856057, MONDO:0009354, OMIM 236270.

Allele frequency attached by ClinVar (database versions not stated): gnomAD exomes 0.00010 and 0.00029; ExAC 0.00038; 1000 Genomes Project 30x 0.00094; gnomAD 0.00098 and 0.00104; 1000 Genomes Project 0.00100; TOPMed 0.00116; ESP Exome Variant Server 0.00154.
gnomAD v4.1: 310 of 1,614,080 alleles (0.019%); highest among the groups gnomAD compares: African/African-American, 0.36%; no homozygotes.

Submissions (3):

Labcorp Genetics (formerly Invitae), Labcorp
Classification: Benign for Methylcobalamin deficiency type cblE. Last evaluated: 2026-01-24. Review status: criteria provided, single submitter. Criteria: Invitae Variant Classification Sherloc (09022015). Collection method: clinical testing. Allele origin: germline.

Blueprint Genetics
Classification: Likely benign. Last evaluated: 2024-08-06. Review status: criteria provided, single submitter. Criteria: ACMG Guidelines, 2015. Collection method: clinical testing. Allele origin: germline.

GeneDx
Classification: Likely benign. Last evaluated: 2017-09-01. Review status: criteria provided, single submitter. Criteria: GeneDx Variant Classification (06012015). Collection method: clinical testing. Allele origin: germline. Affected: yes.
Comment: This variant is considered likely benign or benign based on one or more of the following criteria: it is a conservative change, it occurs at a poorly conserved position in the protein, it is predicted to be benign by multiple in silico algorithms, and/or has population frequency not consistent with disease.

NM_002454.3(MTRR):c.781-14A>G

Gene: MTRR (5-methyltetrahydrofolate-homocysteine methyltransferase reductase; plus strand). Cytogenetic location: 5p15.31.
Variant type: single nucleotide variant.
Coding change: c.781-14A>G on transcript NM_002454.3 (MANE Select); 14 bases into the intron before coding-DNA position 781, A replaced by G.
Molecular consequence: intron variant.
Genome position (GRCh38, 1-based): chr5:7,883,141, A>G. VCF-style: chr5-7883141-A-G. GRCh37 (hg19) VCF-style: chr5-7883254-A-G.
Other names: c.781-14A>G (NM_001364440.2, NM_001364441.2, NM_001364442.2 and 1 more transcripts).
Identifiers: ClinVar variation 382990 (VCV000382990.12), dbSNP rs112996747, ClinGen allele CA3195707.